The following is an entry in ClinVar:

ClinVar aggregate classification (germline): Uncertain significance. Review status: criteria provided, single submitter (1 of 4 stars). 2 submissions from 2 submitters: Uncertain significance (1). 1 of the submissions does not count toward it. Last evaluated 2022-12-21.

Conditions:
EPHB4-related disorder. Also called: EPHB4-related condition; EPHB4-related disorders.

Submissions (2):

Labcorp Genetics (formerly Invitae), Labcorp
Classification: Uncertain significance. Last evaluated: 2022-12-21. Review status: criteria provided, single submitter. Criteria: Invitae Variant Classification Sherloc (09022015). Collection method: clinical testing. Allele origin: germline.
Comment: In summary, the available evidence is currently insufficient to determine the role of this variant in disease. Therefore, it has been classified as a Variant of Uncertain Significance. Variants that disrupt the consensus splice site are a relatively common cause of aberrant splicing (PMID: 17576681, 9536098). Algorithms developed to predict the effect of sequence changes on RNA splicing suggest that this variant is not likely to affect RNA splicing. This variant has not been reported in the literature in individuals affected with EPHB4-related conditions. This variant is not present in population databases (gnomAD no frequency). This sequence change falls in intron 5 of the EPHB4 gene. It does not directly change the encoded amino acid sequence of the EPHB4 protein. It affects a nucleotide within the consensus splice site.

PreventionGenetics, part of Exact Sciences
Classification: Likely benign for EPHB4-related condition. Last evaluated: 2021-09-13. Review status: no assertion criteria provided. Collection method: clinical testing. Allele origin: germline. Not counted in ClinVar's aggregate classification.
Comment: This variant is classified as likely benign based on ACMG/AMP sequence variant interpretation guidelines (Richards et al. 2015 PMID: 25741868, with internal and published modifications).

Literature cited by the submitters: PubMed 17576681 (cited by Labcorp Genetics (formerly Invitae), Labcorp); PubMed 9536098 (cited by Labcorp Genetics (formerly Invitae), Labcorp).

NM_004444.5(EPHB4):c.965-3C>T

Gene: EPHB4 (EPH receptor B4; minus strand). Cytogenetic location: 7q22.1.
Variant type: single nucleotide variant.
Coding change: c.965-3C>T on transcript NM_004444.5 (MANE Select); 3 bases into the intron before coding-DNA position 965, C replaced by T.
Molecular consequence: intron variant.
Genome position (GRCh38, 1-based): chr7:100,819,892, G>A on the plus strand (C>T on the coding strand, the complement: EPHB4 is on the minus strand). VCF-style: chr7-100819892-G-A. GRCh37 (hg19) VCF-style: chr7-100417514-G-A.
Other names: c.965-3C>T (NM_004444.4).
Identifiers: ClinVar variation 2793855 (VCV002793855.5), dbSNP rs1813176722, ClinGen allele CA1729510633.